The following is an entry in ClinVar:

NM_002900.3(RBP3):c.529del (p.Val177fs)

Gene: RBP3 (retinol binding protein 3; plus strand). Cytogenetic location: 10q11.22.
Variant type: Deletion.
Coding change: c.529del on transcript NM_002900.3 (MANE Select); coding-DNA position 529, one base deleted (G; older notation c.529delG).
Protein change: p.Val177fs; shifts the reading frame from valine 177.
Molecular consequence: frameshift variant.
Genome position (GRCh38, 1-based): chr10:47,349,013, G deleted; the last of 2 consecutive G bases (chr10:47,349,012-47,349,013); deleting either gives the same sequence. VCF-style (leftmost placement, unchanged base first): chr10-47349011-AG-A. GRCh37 (hg19) VCF-style: chr10-48390348-AC-A.
Other names: short protein forms V177fs.
Identifiers: ClinVar variation 1422064 (VCV001422064.7), dbSNP rs1836898982, ClinGen allele CA1907804347.
Genomic context (GRCh38, chr10:47,349,011, plus strand): 5'-GGGGGAATCTCATGGGCACCTCCGCCTTAGTGCTGGATCTCCGGCACTGCACAGGAGGCC[AG>A]GTCTCTGGCATTCCCTACATCATCTCCTACCTGCACCCAGGGAACACCATCCTGCACGTG-3'

ClinVar aggregate classification (germline): Pathogenic/Likely pathogenic. Review status: criteria provided, multiple submitters, no conflicts (2 of 4 stars). 2 submissions from 2 submitters: Pathogenic (1); Likely pathogenic (1). Last evaluated 2023-05-08.

Conditions:
RBP3-related disorder. Also called: RBP3-related condition.

Submissions (2):

Labcorp Genetics (formerly Invitae), Labcorp
Classification: Pathogenic. Last evaluated: 2023-05-08. Review status: criteria provided, single submitter. Criteria: Invitae Variant Classification Sherloc (09022015). Collection method: clinical testing. Allele origin: germline.
Comment: For these reasons, this variant has been classified as Pathogenic. ClinVar contains an entry for this variant (Variation ID: 1422064). This variant has not been reported in the literature in individuals affected with RBP3-related conditions. This variant is not present in population databases (gnomAD no frequency). This sequence change creates a premature translational stop signal (p.Val177Serfs*93) in the RBP3 gene. It is expected to result in an absent or disrupted protein product. Loss-of-function variants in RBP3 are known to be pathogenic (PMID: 9614228, 23105016, 25766589).

Blueprint Genetics
Classification: Likely pathogenic for RBP3-related disorders. Last evaluated: 2022-11-02. Review status: criteria provided, single submitter. Criteria: ACMG Guidelines, 2015. Collection method: clinical testing. Allele origin: germline. Affected: yes. Observed: 2 variant alleles.

Literature cited by the submitters: PubMed 9614228 (cited by Labcorp Genetics (formerly Invitae), Labcorp); PubMed 23105016 (cited by Labcorp Genetics (formerly Invitae), Labcorp); PubMed 25766589 (cited by Labcorp Genetics (formerly Invitae), Labcorp).